The following is an entry in ClinVar:

ClinVar aggregate classification (germline): Likely benign (1 of 4 stars; one submission).

Allele frequency attached by ClinVar (database versions not stated): ExAC 0.00002; gnomAD 0.00003; 1000 Genomes Project 30x 0.00016.
gnomAD v4.1: 41 of 1,613,648 alleles (0.0025%); highest among the groups gnomAD compares: African/African-American, 0.008%; no homozygotes.

Submission:

CeGaT Center for Human Genetics Tuebingen
Classification: Likely benign. Last evaluated: 2023-06-01. Review status: criteria provided, single submitter. Criteria: CeGaT Center For Human Genetics Tuebingen Variant Classification Criteria Version 2. Collection method: clinical testing. Allele origin: germline. Affected: yes. Observed: 1 variant allele.
Comment: SPACA7: BP4, BP7

NM_145248.5(SPACA7):c.222A>C (p.Ser74=)

Gene: SPACA7 (sperm acrosome associated 7; plus strand). Cytogenetic location: 13q34.
Variant type: single nucleotide variant.
Coding change: c.222A>C on transcript NM_145248.5 (MANE Select); coding-DNA position 222, A replaced by C.
Protein change: p.Ser74=; no amino-acid change (serine 74 retained).
Molecular consequence: synonymous variant.
Genome position (GRCh38, 1-based): chr13:112,398,119, A>C. VCF-style: chr13-112398119-A-C. GRCh37 (hg19) VCF-style: chr13-113052433-A-C.
Identifiers: ClinVar variation 2643963 (VCV002643963.24), dbSNP rs200600447, ClinGen allele CA7054903.
Genomic context (GRCh38, chr13:112,398,119, plus strand): 5'-GGTCCAGGAGATTTTAGATCTGAATAAAACAACACCGAGCGAAATGCCAAGTACAGCATC[A>C]ACATTATCAACACCGTTACGTAAGGAGAAAAGCAAGCACACCCCTTTCTAACCCTCTAAT-3'
Protein context (NP_660291.2, residues 64-84): TTPSEMPSTA[Ser74=]TLSTPLHAGI